The following is an entry in ClinVar:

ClinVar aggregate classification (germline): Likely pathogenic (1 of 4 stars; one submission).

Conditions:
Intellectual developmental disorder, autosomal dominant 30, with speech delay and behavioral abnormalities. Also called: Intellectual disability, autosomal dominant 30. Identifiers: Orphanet 436151, MedGen C4015167, MONDO:0014486, OMIM 616083.

Submission:

3billion
Classification: Likely pathogenic for Intellectual developmental disorder, autosomal dominant 30, with speech delay and behavioral abnormalities. Last evaluated: 2023-07-17. Review status: criteria provided, single submitter. Criteria: ACMG Guidelines, 2015. Collection method: clinical testing. Allele origin: germline. Affected: yes.
Comment: The variant is not observed in the gnomAD v2.1.1 dataset. Predicted Consequence/Location: Frameshift: predicted to result in a loss or disruption of normal protein function through nonsense-mediated decay (NMD) or protein truncation. Multiple pathogenic variants are reported downstream of the variant. Therefore, this variant is classified as Likely pathogenic according to the recommendation of ACMG/AMP guideline.

NM_001370100.5(ZMYND11):c.1270dup (p.Ile424fs)

Genes: ZMYND11 (zinc finger MYND-type containing 11; plus strand), LOC126860802 (BRD4-independent group 4 enhancer GRCh37_chr10:294268-295467; plus strand). Cytogenetic location: 10p15.3.
Variant type: Duplication.
Coding change: c.1270dup on transcript NM_001370100.5 (MANE Select); coding-DNA position 1270, one base duplicated (A; older notation c.1270dupA).
Protein change: p.Ile424fs; shifts the reading frame from isoleucine 424.
Molecular consequence: frameshift variant. On other transcripts: non-coding transcript variant (1).
Genome position (GRCh38, 1-based): chr10:248,378, A duplicated; the last of 3 consecutive A bases (chr10:248,376-248,378); duplicating any one gives the same sequence. VCF-style (leftmost placement, unchanged base first): chr10-248375-G-GA. GRCh37 (hg19) VCF-style: chr10-294315-G-GA.
Other names: c.1270dup, p.Ile424fs (NM_001370098.2, NM_001370099.2, NM_001370101.2 and 4 more transcripts); c.1108dup, p.Ile370fs (NM_001202464.3, NM_001202467.1, NM_001370103.2 and 6 more transcripts); c.1015dup, p.Ile339fs (NM_001202465.3, NM_001370110.2); c.1105dup, p.Ile369fs (NM_001202466.3, NM_001370111.2); c.1219dup, p.Ile407fs (NM_001330057.3, NM_001370112.2); c.1177dup, p.Ile393fs (NM_001370113.2, NM_001370114.2); c.1267dup, p.Ile423fs (NM_001370115.2, NM_212479.4); c.1204dup, p.Ile402fs (NM_001370116.2); and 8 more; short protein forms I267fs, I305fs, I322fs, I330fs, I339fs, I348fs, I369fs, I370fs.
Identifiers: ClinVar variation 3775312 (VCV003775312.1).
Genomic context (GRCh38, chr10:248,375, plus strand): 5'-AACTCTTGTCTCACCTTTTAGGAACCAGAGCCTGAAACAGAAGCAGTAAGTTCTAGCCAG[G>GA]AAATACCCACGATGCCTCAGCCCATCGAAAAAGTCTCCGTGTCAACTCAGACAAAGAAGT-3'